The following is an entry in ClinVar:

ClinVar aggregate classification (germline): Uncertain significance (1 of 4 stars; one submission).

gnomAD v4.1: 9 of 1,614,092 alleles (0.00056%); highest among the groups gnomAD compares: Non-Finnish European, 0.00076%; no homozygotes.

Submission:

GeneDx
Classification: Uncertain significance. Last evaluated: 2021-06-03. Review status: criteria provided, single submitter. Criteria: GeneDx Variant Classification Process June 2021. Collection method: clinical testing. Allele origin: germline. Affected: yes.
Comment: Not observed at significant frequency in large population cohorts (Lek et al., 2016); In silico analysis, which includes protein predictors and evolutionary conservation, supports that this variant does not alter protein structure/function; Has not been previously published as pathogenic or benign to our knowledge; This variant is associated with the following publications: (PMID: 27535533)

NM_002968.3(SALL1):c.2767A>G (p.Thr923Ala)

Gene: SALL1 (spalt like transcription factor 1; minus strand). Cytogenetic location: 16q12.1.
Variant type: single nucleotide variant.
Coding change: c.2767A>G on transcript NM_002968.3 (MANE Select); coding-DNA position 2767, A replaced by G.
Protein change: p.Thr923Ala; replaces threonine 923 with alanine.
Molecular consequence: missense variant.
Genome position (GRCh38, 1-based): chr16:51,139,455, T>C on the plus strand (A>G on the coding strand, the complement: SALL1 is on the minus strand). VCF-style: chr16-51139455-T-C. GRCh37 (hg19) VCF-style: chr16-51173366-T-C.
Other names: c.2476A>G, p.Thr826Ala (NM_001127892.2); short protein forms T826A, T923A.
Identifiers: ClinVar variation 1309003 (VCV001309003.2), dbSNP rs761048130, ClinGen allele CA395883922.